The following is an entry in ClinVar:

NM_173598.6(KSR2):c.818C>T (p.Pro273Leu)

Gene: KSR2 (kinase suppressor of ras 2; minus strand). Cytogenetic location: 12q24.23.
Variant type: single nucleotide variant.
Coding change: c.818C>T on transcript NM_173598.6 (MANE Select); coding-DNA position 818, C replaced by T.
Protein change: p.Pro273Leu; replaces proline 273 with leucine.
Molecular consequence: missense variant.
Genome position (GRCh38, 1-based): chr12:117,761,179, G>A on the plus strand (C>T on the coding strand, the complement: KSR2 is on the minus strand). VCF-style: chr12-117761179-G-A. GRCh37 (hg19) VCF-style: chr12-118198984-G-A.
Other names: c.731C>T (NM_173598.4); short protein forms P273L.
Identifiers: ClinVar variation 3014498 (VCV003014498.5), dbSNP rs889506320, ClinGen allele CA245078215.

ClinVar aggregate classification (germline): Uncertain significance. Review status: criteria provided, multiple submitters, no conflicts (2 of 4 stars). 2 submissions from 2 submitters: Uncertain significance (2). Last evaluated 2025-03-10.

Conditions:
KSR2-related disorder. Also called: KSR2-related condition.

Allele frequency attached by ClinVar (database versions not stated): gnomAD exomes 0.00001; gnomAD 0.00003; TOPMed 0.00007.
gnomAD v4.1: 11 of 1,599,744 alleles (0.00069%); highest among the groups gnomAD compares: African/African-American, 0.0054%; no homozygotes.

Submissions (2):

Labcorp Genetics (formerly Invitae), Labcorp
Classification: Uncertain significance. Last evaluated: 2025-03-10. Review status: criteria provided, single submitter. Criteria: Invitae Variant Classification Sherloc (09022015). Collection method: clinical testing. Allele origin: germline.
Comment: This sequence change replaces proline, which is neutral and non-polar, with leucine, which is neutral and non-polar, at codon 244 of the KSR2 protein (p.Pro244Leu). This variant is not present in population databases (gnomAD no frequency). This variant has not been reported in the literature in individuals affected with KSR2-related conditions. ClinVar contains an entry for this variant (Variation ID: 3014498). An algorithm developed to predict the effect of missense changes on protein structure and function (PolyPhen-2) suggests that this variant is likely to be disruptive. In summary, the available evidence is currently insufficient to determine the role of this variant in disease. Therefore, it has been classified as a Variant of Uncertain Significance.

PreventionGenetics, part of Exact Sciences
Classification: Uncertain significance for KSR2-related condition. Last evaluated: 2024-12-30. Review status: criteria provided, single submitter. Criteria: ACMG Guidelines, 2015. Collection method: clinical testing. Allele origin: germline.
Comment: The KSR2 c.731C>T variant is predicted to result in the amino acid substitution p.Pro244Leu. To our knowledge, this variant has not been reported in the literature or in a large population database (gnomAD), indicating this variant is rare. At this time, the clinical significance of this variant is uncertain due to the absence of conclusive functional and genetic evidence.